The following is an entry in ClinVar:

NM_080473.5(GATA5):c.719G>C (p.Gly240Ala)

Gene: GATA5 (GATA binding protein 5; minus strand). Cytogenetic location: 20q13.33.
Variant type: single nucleotide variant.
Coding change: c.719G>C on transcript NM_080473.5 (MANE Select); coding-DNA position 719, G replaced by C.
Protein change: p.Gly240Ala; replaces glycine 240 with alanine.
Molecular consequence: missense variant.
Genome position (GRCh38, 1-based): chr20:62,466,532, C>G on the plus strand (G>C on the coding strand, the complement: GATA5 is on the minus strand). VCF-style: chr20-62466532-C-G. GRCh37 (hg19) VCF-style: chr20-61041588-C-G.
Other names: short protein forms G240A.
Identifiers: ClinVar variation 1720934 (VCV001720934.5), dbSNP rs1363190211, ClinGen allele CA409554047.

ClinVar aggregate classification (germline): Uncertain significance (1 of 4 stars; one submission).

Allele frequency attached by ClinVar (database versions not stated): gnomAD 0.00001; TOPMed 0.00001.
gnomAD v4.1: 2 of 1,556,728 alleles (0.00013%); highest among the groups gnomAD compares: African/African-American, 0.0014%; no homozygotes.

Submission:

Labcorp Genetics (formerly Invitae), Labcorp
Classification: Uncertain significance. Last evaluated: 2023-02-21. Review status: criteria provided, single submitter. Criteria: Invitae Variant Classification Sherloc (09022015). Collection method: clinical testing. Allele origin: germline.
Comment: This sequence change replaces glycine, which is neutral and non-polar, with alanine, which is neutral and non-polar, at codon 240 of the GATA5 protein (p.Gly240Ala). This variant is not present in population databases (gnomAD no frequency). This variant has not been reported in the literature in individuals affected with GATA5-related conditions. ClinVar contains an entry for this variant (Variation ID: 1720934). Advanced modeling of protein sequence and biophysical properties (such as structural, functional, and spatial information, amino acid conservation, physicochemical variation, residue mobility, and thermodynamic stability) performed at Invitae indicates that this missense variant is expected to disrupt GATA5 protein function. In summary, the available evidence is currently insufficient to determine the role of this variant in disease. Therefore, it has been classified as a Variant of Uncertain Significance.